The following is an entry in ClinVar:

ClinVar aggregate classification (germline): Uncertain significance (1 of 4 stars; one submission).

Conditions:
Kabuki syndrome. Also called: Kabuki make-up syndrome; NIIKAWA-KUROKI SYNDROME. Identifiers: Orphanet 2322, MedGen C0796004, MONDO:0016512.

gnomAD v4.1: 1 of 1,604,636 alleles (0.000062%); highest among the groups gnomAD compares: Non-Finnish European, 0.000085%; no homozygotes.

Submission:

Labcorp Genetics (formerly Invitae), Labcorp
Classification: Uncertain significance for Kabuki syndrome. Last evaluated: 2022-06-08. Review status: criteria provided, single submitter. Criteria: Invitae Variant Classification Sherloc (09022015). Collection method: clinical testing. Allele origin: germline.
Comment: This variant has not been reported in the literature in individuals affected with KMT2D-related conditions. This sequence change replaces proline, which is neutral and non-polar, with serine, which is neutral and polar, at codon 3143 of the KMT2D protein (p.Pro3143Ser). This variant is not present in population databases (gnomAD no frequency). Advanced modeling of protein sequence and biophysical properties (such as structural, functional, and spatial information, amino acid conservation, physicochemical variation, residue mobility, and thermodynamic stability) performed at Invitae indicates that this missense variant is not expected to disrupt KMT2D protein function. In summary, the available evidence is currently insufficient to determine the role of this variant in disease. Therefore, it has been classified as a Variant of Uncertain Significance.

NM_003482.4(KMT2D):c.9427C>T (p.Pro3143Ser)

Gene: KMT2D (lysine methyltransferase 2D; minus strand). Cytogenetic location: 12q13.12.
Variant type: single nucleotide variant.
Coding change: c.9427C>T on transcript NM_003482.4 (MANE Select); coding-DNA position 9427, C replaced by T.
Protein change: p.Pro3143Ser; replaces proline 3143 with serine.
Molecular consequence: missense variant.
Genome position (GRCh38, 1-based): chr12:49,037,929, G>A on the plus strand (C>T on the coding strand, the complement: KMT2D is on the minus strand). VCF-style: chr12-49037929-G-A. GRCh37 (hg19) VCF-style: chr12-49431712-G-A.
Other names: short protein forms P3143S.
Identifiers: ClinVar variation 2002897 (VCV002002897.4), dbSNP rs1339827676, ClinGen allele CA384738063.